The following is an entry in ClinVar:

ClinVar aggregate classification (germline): Uncertain significance (1 of 4 stars; one submission).

gnomAD v4.1: 5 of 1,612,858 alleles (0.00031%); highest among the groups gnomAD compares: Non-Finnish European, 0.00042%; no homozygotes.

Submission:

Labcorp Genetics (formerly Invitae), Labcorp
Classification: Uncertain significance. Last evaluated: 2025-11-04. Review status: criteria provided, single submitter. Criteria: Invitae Variant Classification Sherloc (09022015). Collection method: clinical testing. Allele origin: germline.
Comment: This sequence change replaces serine, which is neutral and polar, with phenylalanine, which is neutral and non-polar, at codon 713 of the C2 protein (p.Ser713Phe). This variant is not present in population databases (gnomAD no frequency). This variant has not been reported in the literature in individuals affected with C2-related conditions. An algorithm developed to predict the effect of missense changes on protein structure and function (PolyPhen-2) suggests that this variant is likely to be tolerated. In summary, the available evidence is currently insufficient to determine the role of this variant in disease. Therefore, it has been classified as a Variant of Uncertain Significance.

NM_000063.6(C2):c.2138C>T (p.Ser713Phe)

Gene: C2 (complement C2; plus strand). Cytogenetic location: 6p21.33.
Variant type: single nucleotide variant.
Coding change: c.2138C>T on transcript NM_000063.6 (MANE Select); coding-DNA position 2138, C replaced by T.
Protein change: p.Ser713Phe; replaces serine 713 with phenylalanine.
Molecular consequence: missense variant.
Genome position (GRCh38, 1-based): chr6:31,945,236, C>T. VCF-style: chr6-31945236-C-T. GRCh37 (hg19) VCF-style: chr6-31913013-C-T.
Other names: c.1742C>T, p.Ser581Phe (NM_001145903.3); c.1496C>T, p.Ser499Phe (NM_001178063.3); c.1400C>T, p.Ser467Phe (NM_001282457.2); c.2051C>T, p.Ser684Phe (NM_001282458.2); short protein forms S467F, S581F, S684F, S499F, S713F.
Identifiers: ClinVar variation 4772410 (VCV004772410.1).